The following is an entry in ClinVar:

NM_002972.4(SBF1):c.4058A>G (p.Tyr1353Cys)

Gene: SBF1 (SET binding factor 1; minus strand). Cytogenetic location: 22q13.33.
Variant type: single nucleotide variant.
Coding change: c.4058A>G on transcript NM_002972.4 (MANE Select); coding-DNA position 4058, A replaced by G.
Protein change: p.Tyr1353Cys; replaces tyrosine 1353 with cysteine.
Molecular consequence: missense variant.
Genome position (GRCh38, 1-based): chr22:50,456,520, T>C on the plus strand (A>G on the coding strand, the complement: SBF1 is on the minus strand). VCF-style: chr22-50456520-T-C. GRCh37 (hg19) VCF-style: chr22-50894949-T-C.
Other names: p.Tyr1353Cys; c.4058A>G (NM_002972.3, NM_002972.2); c.3983A>G, p.Tyr1328Cys (NM_001365819.1); short protein forms Y1353C, Y1328C.
Identifiers: ClinVar variation 1520100 (VCV001520100.8), dbSNP rs373208315, ClinGen allele CA10316413.
Genomic context (GRCh38, chr22:50,456,520, plus strand): 5'-CCCTCACCCCCCACCCCCCGCACCCCAGTCACCTTGAGCTGGGCTTTGTCCCCAAGGATA[T>C]AGAGGGCTGCTCGCTGCGGACGCAGGAAGCCCGGGTCGGGAGGGCCCCCGTTGGCCTGGG-3'
Protein context (NP_002963.2, residues 1343-1363): GFLRPQRAAL[Tyr1353Cys]ILGDKAQLKG

ClinVar aggregate classification (germline): Uncertain significance. Review status: criteria provided, multiple submitters, no conflicts (2 of 4 stars). 5 submissions from 5 submitters: Uncertain significance (4). 1 of the submissions does not count toward it. Last evaluated 2024-11-15.

Conditions:
Tip-toe gait. Also called: Toe walking. Identifiers: MedGen C0427144, HP:0030051.
Charcot-Marie-Tooth disease type 4B3. Also called: CHARCOT-MARIE-TOOTH DISEASE, DEMYELINATING, TYPE 4B3; Charcot-Marie-Tooth Neuropathy Type 4B3. Identifiers: Orphanet 363981, MedGen C3695063, MONDO:0014117, OMIM 615284.

Allele frequency attached by ClinVar (database versions not stated): gnomAD exomes 0.00005; TOPMed 0.00006; gnomAD 0.00007; ESP Exome Variant Server 0.00017.
gnomAD v4.1: 180 of 1,527,824 alleles (0.012%); highest among the groups gnomAD compares: Non-Finnish European, 0.015%; no homozygotes.

Submissions (5):

Ambry Genetics
Classification: Uncertain significance. Last evaluated: 2024-11-15. Review status: criteria provided, single submitter. Criteria: Ambry Variant Classification Scheme 2023. Collection method: clinical testing. Allele origin: germline.

Revvity Omics, Revvity
Classification: Uncertain significance for Charcot-Marie-Tooth disease type 4B3. Last evaluated: 2022-11-22. Review status: criteria provided, single submitter. Criteria: ACMG Guidelines, 2015. Collection method: clinical testing. Allele origin: germline.

Labcorp Genetics (formerly Invitae), Labcorp
Classification: Uncertain significance. Last evaluated: 2022-08-12. Review status: criteria provided, single submitter. Criteria: Invitae Variant Classification Sherloc (09022015). Collection method: clinical testing. Allele origin: germline.
Comment: This sequence change replaces tyrosine, which is neutral and polar, with cysteine, which is neutral and slightly polar, at codon 1353 of the SBF1 protein (p.Tyr1353Cys). This variant is present in population databases (rs373208315, gnomAD 0.01%). This variant has not been reported in the literature in individuals affected with SBF1-related conditions. ClinVar contains an entry for this variant (Variation ID: 1520100). Algorithms developed to predict the effect of missense changes on protein structure and function are either unavailable or do not agree on the potential impact of this missense change (SIFT: "Deleterious"; PolyPhen-2: "Possibly Damaging"; Align-GVGD: "Class C0"). Algorithms developed to predict the effect of sequence changes on RNA splicing suggest that this variant may create or strengthen a splice site. In summary, the available evidence is currently insufficient to determine the role of this variant in disease. Therefore, it has been classified as a Variant of Uncertain Significance.

Mayo Clinic Laboratories, Mayo Clinic
Classification: Uncertain significance. Last evaluated: 2022-07-01. Review status: criteria provided, single submitter. Criteria: ACMG Guidelines, 2015. Collection method: clinical testing. Allele origin: germline. Observed: 1 variant allele.
Comment: PM2

Practice for Gait Abnormalities, David Pomarino, Competency Network Toe Walking C/o Practice Pomarino
Classification: Likely pathogenic for Tip-toe gait. Last evaluated: 2025-02-14. Review status: flagged submission. Criteria: Pomarino et al. (Glob Med Genet. 2023). Collection method: clinical testing. Allele origin: germline. Affected: yes. Not counted in ClinVar's aggregate classification.
ClinVar note: Notes: This gene has insufficient evidence for isolated tip-toe gait.
ClinVar note: Reason: P/LP classification for a variant in a gene with insufficient evidence for a gene-disease relationship